The following is an entry in ClinVar:

NM_015466.4(PTPN23):c.4617A>C (p.Pro1539=)

Gene: PTPN23 (protein tyrosine phosphatase non-receptor type 23; plus strand). Cytogenetic location: 3p21.31.
Variant type: single nucleotide variant.
Coding change: c.4617A>C on transcript NM_015466.4 (MANE Select); coding-DNA position 4617, A replaced by C.
Protein change: p.Pro1539=; no amino-acid change (proline 1539 retained).
Molecular consequence: synonymous variant.
Genome position (GRCh38, 1-based): chr3:47,412,891, A>C. VCF-style: chr3-47412891-A-C. GRCh37 (hg19) VCF-style: chr3-47454381-A-C.
Other names: c.4239A>C, p.Pro1413= (NM_001304482.2).
Identifiers: ClinVar variation 2672938 (VCV002672938.23), dbSNP rs752416173, ClinGen allele CA433606447.

ClinVar aggregate classification (germline): Likely benign (1 of 4 stars; one submission).

Submission:

CeGaT Center for Human Genetics Tuebingen
Classification: Likely benign. Last evaluated: 2023-11-01. Review status: criteria provided, single submitter. Criteria: CeGaT Center For Human Genetics Tuebingen Variant Classification Criteria Version 2. Collection method: clinical testing. Allele origin: germline. Affected: yes. Observed: 1 variant allele.
Comment: PTPN23: BP4, BP7